The following is an entry in ClinVar:

ClinVar aggregate classification (germline): Uncertain significance (1 of 4 stars; one submission).

Conditions:
Birt-Hogg-Dube syndrome. Also called: Birt Hogg Dubé syndrome. Identifiers: Orphanet 122, MedGen C0346010, MONDO:0800444.

Submission:

Labcorp Genetics (formerly Invitae), Labcorp
Classification: Uncertain significance for Birt-Hogg-Dube syndrome. Last evaluated: 2024-02-23. Review status: criteria provided, single submitter. Criteria: Invitae Variant Classification Sherloc (09022015). Collection method: clinical testing. Allele origin: germline.
Comment: This sequence change replaces lysine, which is basic and polar, with glutamic acid, which is acidic and polar, at codon 105 of the FLCN protein (p.Lys105Glu). This variant is not present in population databases (gnomAD no frequency). This variant has not been reported in the literature in individuals affected with FLCN-related conditions. Advanced modeling of protein sequence and biophysical properties (such as structural, functional, and spatial information, amino acid conservation, physicochemical variation, residue mobility, and thermodynamic stability) performed at Invitae indicates that this missense variant is not expected to disrupt FLCN protein function with a negative predictive value of 80%. In summary, the available evidence is currently insufficient to determine the role of this variant in disease. Therefore, it has been classified as a Variant of Uncertain Significance.

NM_144997.7(FLCN):c.313A>G (p.Lys105Glu)

Gene: FLCN (folliculin; minus strand). Cytogenetic location: 17p11.2.
Variant type: single nucleotide variant.
Coding change: c.313A>G on transcript NM_144997.7 (MANE Select); coding-DNA position 313, A replaced by G.
Protein change: p.Lys105Glu; replaces lysine 105 with glutamic acid.
Molecular consequence: missense variant.
Genome position (GRCh38, 1-based): chr17:17,226,259, T>C on the plus strand (A>G on the coding strand, the complement: FLCN is on the minus strand). VCF-style: chr17-17226259-T-C. GRCh37 (hg19) VCF-style: chr17-17129573-T-C.
Other names: c.313A>G, p.Lys105Glu (NM_001353229.2, NM_001353230.2, NM_001353231.2 and 1 more transcripts); short protein forms K105E.
Identifiers: ClinVar variation 3642846 (VCV003642846.2).